The following is an entry in ClinVar:

ClinVar aggregate classification (germline): Likely benign. Review status: criteria provided, multiple submitters, no conflicts (2 of 4 stars). 3 submissions from 3 submitters: Likely benign (2). 1 of the submissions does not count toward it. Last evaluated 2026-02-02.

Conditions:
SMARCD2-related disorder. Also called: SMARCD2-related condition.

Allele frequency attached by ClinVar (database versions not stated): gnomAD exomes 0.00003 and 0.00009; ExAC 0.00013; gnomAD 0.00021 and 0.00022; 1000 Genomes Project 0.00040; TOPMed 0.00041; 1000 Genomes Project 30x 0.00047.
gnomAD v4.1: 79 of 1,587,650 alleles (0.005%); highest among the groups gnomAD compares: Admixed American, 0.059%; no homozygotes.

Submissions (4):

Labcorp Genetics (formerly Invitae), Labcorp
Classification: Likely benign. Last evaluated: 2026-02-02. Review status: criteria provided, single submitter. Criteria: Invitae Variant Classification Sherloc (09022015). Collection method: clinical testing. Allele origin: germline.

Blueprint Genetics
Classification: Likely benign. Last evaluated: 2024-11-11. Review status: criteria provided, single submitter. Criteria: ACMG Guidelines, 2015. Collection method: clinical testing. Allele origin: germline.

PreventionGenetics, part of Exact Sciences
Classification: Likely benign for SMARCD2-related condition. Last evaluated: 2023-05-30. Review status: no assertion criteria provided. Collection method: clinical testing. Allele origin: germline. Not counted in ClinVar's aggregate classification.
Comment: This variant is classified as likely benign based on ACMG/AMP sequence variant interpretation guidelines (Richards et al. 2015 PMID: 25741868, with internal and published modifications).

Dr. Peter K. Rogan Lab, Western University
No classification provided (evidence only). Condition: Lung cancer. Review status: no classification provided. Collection method: in vitro. Allele origin: not applicable. Functional consequence: retained intron. Not counted in ClinVar's aggregate classification.

NM_001098426.2(SMARCD2):c.1543-8T>G

Gene: SMARCD2 (SWI/SNF related BAF chromatin remodeling complex subunit D2; minus strand). Cytogenetic location: 17q23.3.
Variant type: single nucleotide variant.
Coding change: c.1543-8T>G on transcript NM_001098426.2 (MANE Select); 8 bases into the intron before coding-DNA position 1543, T replaced by G.
Molecular consequence: intron variant.
Genome position (GRCh38, 1-based): chr17:63,832,999, A>C on the plus strand (T>G on the coding strand, the complement: SMARCD2 is on the minus strand). VCF-style: chr17-63832999-A-C. GRCh37 (hg19) VCF-style: chr17-61910359-A-C.
Other names: c.1318-8T>G (NM_001330439.1); c.1399-8T>G (NM_001330440.2); c.1543-8T>G (NM_001098426.1).
Identifiers: ClinVar variation 1122132 (VCV001122132.13), dbSNP rs184956592, ClinGen allele CA8706157.